The following is an entry in ClinVar:

ClinVar aggregate classification (germline): Uncertain significance (1 of 4 stars; one submission).

Conditions:
Autosomal recessive polycystic kidney disease (ARPKD). Also called: AR polycystic kidney disease. Identifiers: Orphanet 731, Orphanet 8378, MedGen C0085548, MeSH D017044, MONDO:0009889.

Submission:

Labcorp Genetics (formerly Invitae), Labcorp
Classification: Uncertain significance for Autosomal recessive polycystic kidney disease. Last evaluated: 2025-11-23. Review status: criteria provided, single submitter. Criteria: Invitae Variant Classification Sherloc (09022015). Collection method: clinical testing. Allele origin: germline.
Comment: This sequence change replaces threonine, which is neutral and polar, with isoleucine, which is neutral and non-polar, at codon 2131 of the PKHD1 protein (p.Thr2131Ile). This variant is not present in population databases (gnomAD no frequency). This variant has not been reported in the literature in individuals affected with PKHD1-related conditions. Invitae Evidence Modeling of protein sequence and biophysical properties (such as structural, functional, and spatial information, amino acid conservation, physicochemical variation, residue mobility, and thermodynamic stability) indicates that this missense variant is not expected to disrupt PKHD1 protein function with a negative predictive value of 95%. In summary, the available evidence is currently insufficient to determine the role of this variant in disease. Therefore, it has been classified as a Variant of Uncertain Significance.

NM_138694.4(PKHD1):c.6392C>T (p.Thr2131Ile)

Gene: PKHD1 (PKHD1 ciliary IPT domain containing fibrocystin/polyductin; minus strand). Cytogenetic location: 6p12.2.
Variant type: single nucleotide variant.
Coding change: c.6392C>T on transcript NM_138694.4 (MANE Select); coding-DNA position 6392, C replaced by T.
Protein change: p.Thr2131Ile; replaces threonine 2131 with isoleucine.
Molecular consequence: missense variant.
Genome position (GRCh38, 1-based): chr6:51,911,897, G>A on the plus strand (C>T on the coding strand, the complement: PKHD1 is on the minus strand). VCF-style: chr6-51911897-G-A. GRCh37 (hg19) VCF-style: chr6-51776695-G-A.
Other names: c.6392C>T, p.Thr2131Ile (NM_170724.3); short protein forms T2131I.
Identifiers: ClinVar variation 4810541 (VCV004810541.1).